The following is an entry in ClinVar:

NM_001111.5(ADAR):c.1696A>T (p.Met566Leu)

Gene: ADAR (adenosine deaminase RNA specific; minus strand). Cytogenetic location: 1q21.3.
Variant type: single nucleotide variant.
Coding change: c.1696A>T on transcript NM_001111.5 (MANE Select); coding-DNA position 1696, A replaced by T.
Protein change: p.Met566Leu; replaces methionine 566 with leucine.
Molecular consequence: missense variant.
Genome position (GRCh38, 1-based): chr1:154,598,491, T>A on the plus strand (A>T on the coding strand, the complement: ADAR is on the minus strand). VCF-style: chr1-154598491-T-A. GRCh37 (hg19) VCF-style: chr1-154570967-T-A.
Other names: c.811A>T, p.Met271Leu (NM_001025107.3, NM_001193495.2, NM_001365046.1 and 3 more transcripts); c.1723A>T, p.Met575Leu (NM_001365045.1); c.1696A>T, p.Met566Leu (NM_015840.4, NM_015841.4); short protein forms M271L, M575L, M566L.
Identifiers: ClinVar variation 1511142 (VCV001511142.31), dbSNP rs777616553, ClinGen allele CA342639540.

ClinVar aggregate classification (germline): Uncertain significance. Review status: criteria provided, multiple submitters, no conflicts (2 of 4 stars). 2 submissions from 2 submitters: Uncertain significance (2). Last evaluated 2024-07-01.

Conditions:
Symmetrical dyschromatosis of extremities (DSH). Also called: DYSCHROMATOSIS SYMMETRICA HEREDITARIA 1; Dyschromatosis symmetrica hereditaria; RETICULATE ACROPIGMENTATION OF DOHI; SYMMETRIC DYSCHROMATOSIS OF THE EXTREMITIES. Identifiers: Orphanet 41, MedGen C0406775, MONDO:0007483, OMIM 127400.
Aicardi-Goutieres syndrome 6 (AGS6). Identifiers: Orphanet 51, MedGen C3539013, MONDO:0014007, OMIM 615010.

Allele frequency attached by ClinVar (database versions not stated): TOPMed below 0.00001.
gnomAD v4.1: 6 of 1,614,234 alleles (0.00037%); highest among the groups gnomAD compares: Admixed American, 0.0017%; no homozygotes.

Submissions (2):

CeGaT Center for Human Genetics Tuebingen
Classification: Uncertain significance. Last evaluated: 2024-07-01. Review status: criteria provided, single submitter. Criteria: CeGaT Center For Human Genetics Tuebingen Variant Classification Criteria Version 2. Collection method: clinical testing. Allele origin: germline. Affected: yes. Observed: 1 variant allele.
Comment: ADAR: PM2, BP4

Labcorp Genetics (formerly Invitae), Labcorp
Classification: Uncertain significance for Aicardi-Goutieres syndrome 6; Symmetrical dyschromatosis of extremities. Last evaluated: 2024-04-10. Review status: criteria provided, single submitter. Criteria: Invitae Variant Classification Sherloc (09022015). Collection method: clinical testing. Allele origin: germline.
Comment: This sequence change replaces methionine, which is neutral and non-polar, with leucine, which is neutral and non-polar, at codon 566 of the ADAR protein (p.Met566Leu). This variant is present in population databases (no rsID available, gnomAD 0.003%). This variant has not been reported in the literature in individuals affected with ADAR-related conditions. ClinVar contains an entry for this variant (Variation ID: 1511142). Advanced modeling of protein sequence and biophysical properties (such as structural, functional, and spatial information, amino acid conservation, physicochemical variation, residue mobility, and thermodynamic stability) performed at Invitae indicates that this missense variant is not expected to disrupt ADAR protein function with a negative predictive value of 80%. In summary, the available evidence is currently insufficient to determine the role of this variant in disease. Therefore, it has been classified as a Variant of Uncertain Significance.